The following is an entry in ClinVar:

ClinVar aggregate classification (germline): Uncertain significance (1 of 4 stars; one submission).

Conditions:
Emery-Dreifuss muscular dystrophy 5, autosomal dominant (EDMD5). Also called: EMERY-DREIFUSS MUSCULAR DYSTROPHY 5. Identifiers: Orphanet 261, MedGen C2751805, MONDO:0013072, OMIM 612999.

Allele frequency attached by ClinVar (database versions not stated): gnomAD exomes 0.00001 and 0.00002; gnomAD 0.00002 and 0.00003; ExAC 0.00003; TOPMed 0.00003; 1000 Genomes Project 30x 0.00016; 1000 Genomes Project 0.00020.
gnomAD v4.1: 14 of 1,613,970 alleles (0.00087%); highest among the groups gnomAD compares: South Asian, 0.0088%; no homozygotes.

Submission:

Labcorp Genetics (formerly Invitae), Labcorp
Classification: Uncertain significance for Emery-Dreifuss muscular dystrophy 5, autosomal dominant. Last evaluated: 2022-03-18. Review status: criteria provided, single submitter. Criteria: Invitae Variant Classification Sherloc (09022015). Collection method: clinical testing. Allele origin: germline.
Comment: In summary, the available evidence is currently insufficient to determine the role of this variant in disease. Therefore, it has been classified as a Variant of Uncertain Significance. This sequence change replaces alanine, which is neutral and non-polar, with threonine, which is neutral and polar, at codon 3346 of the SYNE2 protein (p.Ala3346Thr). This variant is present in population databases (rs536877053, gnomAD 0.01%). This variant has not been reported in the literature in individuals affected with SYNE2-related conditions. Algorithms developed to predict the effect of missense changes on protein structure and function output the following: SIFT: "Tolerated"; PolyPhen-2: "Benign"; Align-GVGD: "Class C0". The threonine amino acid residue is found in multiple mammalian species, which suggests that this missense change does not adversely affect protein function.

NM_182914.3(SYNE2):c.10036G>A (p.Ala3346Thr)

Gene: SYNE2 (spectrin repeat containing nuclear envelope protein 2; plus strand). Cytogenetic location: 14q23.2.
Variant type: single nucleotide variant.
Coding change: c.10036G>A on transcript NM_182914.3 (MANE Select); coding-DNA position 10036, G replaced by A.
Protein change: p.Ala3346Thr; replaces alanine 3346 with threonine.
Molecular consequence: missense variant.
Genome position (GRCh38, 1-based): chr14:64,056,235, G>A. VCF-style: chr14-64056235-G-A. GRCh37 (hg19) VCF-style: chr14-64522953-G-A.
Other names: c.10036G>A, p.Ala3346Thr (NM_015180.6); short protein forms A3346T.
Identifiers: ClinVar variation 1462605 (VCV001462605.8), dbSNP rs536877053, ClinGen allele CA7221392.
Genomic context (GRCh38, chr14:64,056,235, plus strand): 5'-AAACTACAACTTCAGTATACTTTACAGGAACTAGTTTCTAAGAACTCAGCAATGAAGGAA[G>A]CTTTCAAAGCACAGGAAACTGAGGCAGAAAGGTAGGTCCTCTTCCAAAGGTAATCTTTAA-3'
Protein context (NP_878918.2, residues 3336-3356): LVSKNSAMKE[Ala3346Thr]FKAQETEAER